The following is an entry in ClinVar:

NM_005744.5(ARIH1):c.681+7A>G

Gene: ARIH1 (ariadne RBR E3 ubiquitin protein ligase 1; plus strand). Cytogenetic location: 15q24.1.
Variant type: single nucleotide variant.
Coding change: c.681+7A>G on transcript NM_005744.5 (MANE Select); 7 bases into the intron after coding-DNA position 681, A replaced by G.
Molecular consequence: intron variant.
Genome position (GRCh38, 1-based): chr15:72,555,370, A>G. VCF-style: chr15-72555370-A-G. GRCh37 (hg19) VCF-style: chr15-72847711-A-G.
Identifiers: ClinVar variation 2159927 (VCV002159927.4), dbSNP rs773473597, ClinGen allele CA7645544.

ClinVar aggregate classification (germline): Uncertain significance (1 of 4 stars; one submission).

Allele frequency attached by ClinVar (database versions not stated): ExAC 0.00001; gnomAD exomes 0.00002; gnomAD 0.00003; TOPMed 0.00003.
gnomAD v4.1: 40 of 1,602,316 alleles (0.0025%); highest among the groups gnomAD compares: Middle Eastern, 0.17%; no homozygotes.

Submission:

Labcorp Genetics (formerly Invitae), Labcorp
Classification: Uncertain significance. Last evaluated: 2026-01-27. Review status: criteria provided, single submitter. Criteria: Invitae Variant Classification Sherloc (09022015). Collection method: clinical testing. Allele origin: germline.
Comment: This sequence change falls in intron 4 of the ARIH1 gene. It does not directly change the encoded amino acid sequence of the ARIH1 protein. This variant is present in population databases (rs773473597, gnomAD 0.003%). This variant has not been reported in the literature in individuals affected with ARIH1-related conditions. ClinVar contains an entry for this variant (Variation ID: 2159927). Algorithms developed to predict the effect of sequence changes on RNA splicing suggest that this variant may create or strengthen a splice site. In summary, the available evidence is currently insufficient to determine the role of this variant in disease. Therefore, it has been classified as a Variant of Uncertain Significance.